The following is an entry in ClinVar:

ClinVar aggregate classification (germline): Uncertain significance (1 of 4 stars; one submission).

Submission:

Labcorp Genetics (formerly Invitae), Labcorp
Classification: Uncertain significance. Last evaluated: 2022-06-24. Review status: criteria provided, single submitter. Criteria: Invitae Variant Classification Sherloc (09022015). Collection method: clinical testing. Allele origin: germline.
Comment: In summary, the available evidence is currently insufficient to determine the role of this variant in disease. Therefore, it has been classified as a Variant of Uncertain Significance. Algorithms developed to predict the effect of missense changes on protein structure and function are either unavailable or do not agree on the potential impact of this missense change (SIFT: "Deleterious"; PolyPhen-2: "Probably Damaging"; Align-GVGD: "Class C15"). This variant has not been reported in the literature in individuals affected with SUCO-related conditions. This variant is not present in population databases (gnomAD no frequency). This sequence change replaces glutamic acid, which is acidic and polar, with lysine, which is basic and polar, at codon 335 of the SUCO protein (p.Glu335Lys).

NM_014283.5(SUCO):c.1003G>A (p.Glu335Lys)

Gene: SUCO (SUN domain containing ossification factor; plus strand). Cytogenetic location: 1q24.3.
Variant type: single nucleotide variant.
Coding change: c.1003G>A on transcript NM_014283.5 (MANE Select); coding-DNA position 1003, G replaced by A.
Protein change: p.Glu335Lys; replaces glutamic acid 335 with lysine.
Molecular consequence: missense variant. On other transcripts: 5 prime UTR variant (1).
Genome position (GRCh38, 1-based): chr1:172,570,684, G>A. VCF-style: chr1-172570684-G-A. GRCh37 (hg19) VCF-style: chr1-172539824-G-A.
Other names: c.892G>A, p.Glu298Lys (NM_001282750.2); c.-527G>A (NM_001282751.2); c.1477G>A, p.Glu493Lys (NM_016227.4); short protein forms E335K, E298K, E493K.
Identifiers: ClinVar variation 2010144 (VCV002010144.4), dbSNP rs1654893547, ClinGen allele CA343737914.